The following is an entry in ClinVar:

NM_001271938.2(MEGF8):c.1225C>T (p.His409Tyr)

Gene: MEGF8 (multiple EGF like domains 8; plus strand). Cytogenetic location: 19q13.2.
Variant type: single nucleotide variant.
Coding change: c.1225C>T on transcript NM_001271938.2 (MANE Select); coding-DNA position 1225, C replaced by T.
Protein change: p.His409Tyr; replaces histidine 409 with tyrosine.
Molecular consequence: missense variant.
Genome position (GRCh38, 1-based): chr19:42,336,327, C>T. VCF-style: chr19-42336327-C-T. GRCh37 (hg19) VCF-style: chr19-42840479-C-T.
Other names: c.1225C>T (NM_001410.2); c.1225C>T, p.His409Tyr (NM_001410.3); short protein forms H409Y.
Identifiers: ClinVar variation 3008355 (VCV003008355.4), dbSNP rs961326384, ClinGen allele CA308622272.

ClinVar aggregate classification (germline): Uncertain significance. Review status: criteria provided, multiple submitters, no conflicts (2 of 4 stars). 2 submissions from 2 submitters: Uncertain significance (2). Last evaluated 2025-07-10.

Conditions:
Inborn genetic diseases. Identifiers: MedGen C0950123, MeSH D030342.
MEGF8-related Carpenter syndrome. Also called: Carpenter syndrome 2. Identifiers: Orphanet 65759, MedGen C3554247, MONDO:0013998, OMIM 614976.

gnomAD v4.1: 2 of 1,600,598 alleles (0.00012%); highest among the groups gnomAD compares: Non-Finnish European, 0.000085%; no homozygotes.

Submissions (2):

Labcorp Genetics (formerly Invitae), Labcorp
Classification: Uncertain significance for MEGF8-related Carpenter syndrome. Last evaluated: 2025-07-10. Review status: criteria provided, single submitter. Criteria: Invitae Variant Classification Sherloc (09022015). Collection method: clinical testing. Allele origin: germline.
Comment: This sequence change replaces histidine, which is basic and polar, with tyrosine, which is neutral and polar, at codon 409 of the MEGF8 protein (p.His409Tyr). This variant is present in population databases (no rsID available, gnomAD 0.006%). This variant has not been reported in the literature in individuals affected with MEGF8-related conditions. ClinVar contains an entry for this variant (Variation ID: 3008355). An algorithm developed to predict the effect of missense changes on protein structure and function (PolyPhen-2) suggests that this variant is likely to be disruptive. In summary, the available evidence is currently insufficient to determine the role of this variant in disease. Therefore, it has been classified as a Variant of Uncertain Significance.

Ambry Genetics
Classification: Uncertain significance for Inborn genetic diseases. Last evaluated: 2025-06-30. Review status: criteria provided, single submitter. Criteria: Ambry Variant Classification Scheme 2023. Collection method: clinical testing. Allele origin: germline.